The following is an entry in ClinVar:

ClinVar aggregate classification (germline): Uncertain significance (1 of 4 stars; one submission).

Conditions:
Megaconial type congenital muscular dystrophy (MDCMC). Also called: MUSCULAR DYSTROPHY, CONGENITAL, WITH MITOCHONDRIAL STRUCTURAL ABNORMALITIES; CHKB-Related Muscle Diseases; CHKB-Related Muscular Dystrophy. Identifiers: Orphanet 280671, MedGen C1865233, MONDO:0011246, OMIM 602541.

gnomAD v4.1: 1 of 1,609,224 alleles (0.000062%); highest among the groups gnomAD compares: African/African-American, 0.0013%; no homozygotes.

Submission:

Labcorp Genetics (formerly Invitae), Labcorp
Classification: Uncertain significance for Megaconial type congenital muscular dystrophy. Last evaluated: 2022-03-02. Review status: criteria provided, single submitter. Criteria: Invitae Variant Classification Sherloc (09022015). Collection method: clinical testing. Allele origin: germline.
Comment: Algorithms developed to predict the effect of missense changes on protein structure and function are either unavailable or do not agree on the potential impact of this missense change (SIFT: "Deleterious"; PolyPhen-2: "Possibly Damaging"; Align-GVGD: "Class C0"). In summary, the available evidence is currently insufficient to determine the role of this variant in disease. Therefore, it has been classified as a Variant of Uncertain Significance. This variant has not been reported in the literature in individuals affected with CHKB-related conditions. This sequence change replaces valine, which is neutral and non-polar, with glycine, which is neutral and non-polar, at codon 71 of the CHKB protein (p.Val71Gly). This variant is not present in population databases (gnomAD no frequency).

NM_005198.5(CHKB):c.212T>G (p.Val71Gly)

Genes: CHKB (choline kinase beta; minus strand), CHKB-CPT1B (CHKB-CPT1B readthrough (NMD candidate); minus strand). Cytogenetic location: 22q13.33.
Variant type: single nucleotide variant.
Coding change: c.212T>G on transcript NM_005198.5 (MANE Select); coding-DNA position 212, T replaced by G.
Protein change: p.Val71Gly; replaces valine 71 with glycine.
Molecular consequence: missense variant. On other transcripts: non-coding transcript variant (1).
Genome position (GRCh38, 1-based): chr22:50,582,570, A>C on the plus strand (T>G on the coding strand, the complement: CHKB is on the minus strand). VCF-style: chr22-50582570-A-C. GRCh37 (hg19) VCF-style: chr22-51020999-A-C.
Other names: short protein forms V71G.
Identifiers: ClinVar variation 1365781 (VCV001365781.6), dbSNP rs1399285509, ClinGen allele CA412202993.